The following is an entry in ClinVar:

NM_002772.3(TMPRSS15):c.50A>G (p.Tyr17Cys)

Gene: TMPRSS15 (transmembrane serine protease 15; minus strand). Cytogenetic location: 21q21.1.
Variant type: single nucleotide variant.
Coding change: c.50A>G on transcript NM_002772.3 (MANE Select); coding-DNA position 50, A replaced by G.
Protein change: p.Tyr17Cys; replaces tyrosine 17 with cysteine.
Molecular consequence: missense variant.
Genome position (GRCh38, 1-based): chr21:18,403,573, T>C on the plus strand (A>G on the coding strand, the complement: TMPRSS15 is on the minus strand). VCF-style: chr21-18403573-T-C. GRCh37 (hg19) VCF-style: chr21-19775890-T-C.
Other names: c.50A>G (NM_002772.2); short protein forms Y17C.
Identifiers: ClinVar variation 2015372 (VCV002015372.3), dbSNP rs1002563490, ClinGen allele CA318131303.

ClinVar aggregate classification (germline): Conflicting classifications of pathogenicity. Review status: criteria provided, conflicting classifications (1 of 4 stars). 3 submissions from 3 submitters: Likely pathogenic (1); Uncertain significance (2). Last evaluated 2025-02-19.

Conditions:
Enterokinase deficiency. Also called: Congenital enteropathy due to enteropeptidase deficiency; Deficiency of enteropeptidase; ENTEROPEPTIDASE DEFICIENCY. Identifiers: Orphanet 168601, MedGen C0268416, MONDO:0009173, OMIM 226200.

Allele frequency attached by ClinVar (database versions not stated): gnomAD exomes 0.00001; TOPMed 0.00001.
gnomAD v4.1: 18 of 1,614,176 alleles (0.0011%); highest among the groups gnomAD compares: Non-Finnish European, 0.0015%; no homozygotes.

Submissions (3):

Ambry Genetics
Classification: Uncertain significance. Last evaluated: 2025-02-19. Review status: criteria provided, single submitter. Criteria: Ambry Variant Classification Scheme 2023. Collection method: clinical testing. Allele origin: germline.

Aleixo Muise Laboratory, Hospital For Sick Children
Classification: Likely pathogenic for Enterokinase deficiency. Last evaluated: 2024-07-05. Review status: criteria provided, single submitter. Criteria: ACMG Guidelines, 2015. Collection method: research. Allele origin: inherited. Affected: yes. Observed: 1 variant allele.
Comment: PM2;PM3;PM5;PP3;PP4

Labcorp Genetics (formerly Invitae), Labcorp
Classification: Uncertain significance. Last evaluated: 2022-06-18. Review status: criteria provided, single submitter. Criteria: Invitae Variant Classification Sherloc (09022015). Collection method: clinical testing. Allele origin: germline.
Comment: This sequence change replaces tyrosine, which is neutral and polar, with cysteine, which is neutral and slightly polar, at codon 17 of the TMPRSS15 protein (p.Tyr17Cys). This variant is not present in population databases (gnomAD no frequency). This variant has not been reported in the literature in individuals affected with TMPRSS15-related conditions. Algorithms developed to predict the effect of missense changes on protein structure and function are either unavailable or do not agree on the potential impact of this missense change (SIFT: "Not Available"; PolyPhen-2: "Possibly Damaging"; Align-GVGD: "Not Available"). In summary, the available evidence is currently insufficient to determine the role of this variant in disease. Therefore, it has been classified as a Variant of Uncertain Significance.